The following is an entry in ClinVar:

NM_000059.4(BRCA2):c.2593G>A (p.Glu865Lys)

Gene: BRCA2 (BRCA2 DNA repair associated; plus strand). Cytogenetic location: 13q13.1.
Variant type: single nucleotide variant.
Coding change: c.2593G>A on transcript NM_000059.4 (MANE Select); coding-DNA position 2593, G replaced by A.
Protein change: p.Glu865Lys; replaces glutamic acid 865 with lysine.
Molecular consequence: missense variant.
Genome position (GRCh38, 1-based): chr13:32,336,948, G>A. VCF-style: chr13-32336948-G-A. GRCh37 (hg19) VCF-style: chr13-32911085-G-A.
Other names: short protein forms E865K.
Identifiers: ClinVar variation 1053771 (VCV001053771.14), dbSNP rs587782014, ClinGen allele CA387772614.

ClinVar aggregate classification (germline): Conflicting classifications of pathogenicity. Review status: criteria provided, conflicting classifications (1 of 4 stars). 2 submissions from 2 submitters: Uncertain significance (1); Likely benign (1). Last evaluated 2025-04-21.

Conditions:
Hereditary cancer-predisposing syndrome. Also called: Hereditary Cancer Syndrome; Tumor predisposition; Hereditary neoplastic syndrome; Neoplastic Syndromes, Hereditary. Identifiers: Orphanet 140162, MedGen C0027672, MeSH D009386, MONDO:0015356.
Hereditary breast ovarian cancer syndrome. Also called: Hereditary breast and/or ovarian cancer syndrome; Hereditary breast and ovarian cancer syndrome; Hereditary breast and ovarian cancer syndrome (HBOC); Breast and ovarian cancer; Hereditary breast and ovarian cancer; BRCA1- and BRCA2-Associated Hereditary Breast and Ovarian Cancer. Identifiers: Orphanet 145, MedGen C0677776, MeSH D061325, MONDO:0003582. Disease mechanism: loss of function.

gnomAD v4.1: 1 of 1,586,640 alleles (0.000063%); highest among the groups gnomAD compares: East Asian, 0.0022%; no homozygotes.

Submissions (2):

Labcorp Genetics (formerly Invitae), Labcorp
Classification: Uncertain significance for Hereditary breast ovarian cancer syndrome. Last evaluated: 2025-04-21. Review status: criteria provided, single submitter. Criteria: Invitae Variant Classification Sherloc (09022015). Collection method: clinical testing. Allele origin: germline.
Comment: This sequence change replaces glutamic acid, which is acidic and polar, with lysine, which is basic and polar, at codon 865 of the BRCA2 protein (p.Glu865Lys). This variant is not present in population databases (gnomAD no frequency). This variant has not been reported in the literature in individuals affected with BRCA2-related conditions. ClinVar contains an entry for this variant (Variation ID: 1053771). Invitae Evidence Modeling of protein sequence and biophysical properties (such as structural, functional, and spatial information, amino acid conservation, physicochemical variation, residue mobility, and thermodynamic stability) indicates that this missense variant is not expected to disrupt BRCA2 protein function with a negative predictive value of 95%. In summary, the available evidence is currently insufficient to determine the role of this variant in disease. Therefore, it has been classified as a Variant of Uncertain Significance.

University of Washington Department of Laboratory Medicine, University of Washington
Classification: Likely benign for Hereditary cancer-predisposing syndrome. Last evaluated: 2023-03-23. Review status: criteria provided, single submitter. Criteria: Dines et al. (Genet Med. 2020). Collection method: curation. Allele origin: germline.
Comment: Missense variant in a coldspot region where missense variants are very unlikely to be pathogenic (PMID:31911673).

BRCA2 exon 11 coldspot. Reclassification based on statistical prior probability.